The following is an entry in ClinVar:

ClinVar aggregate classification (germline): Uncertain significance (1 of 4 stars; one submission).

Conditions:
Neurodevelopmental disorder with nonspecific brain abnormalities and with or without seizures. Identifiers: MedGen C5231470, MONDO:0032877, OMIM 618709.

gnomAD v4.1: 3 of 1,539,122 alleles (0.00019%); highest among the groups gnomAD compares: South Asian, 0.0024%; no homozygotes.

Submission:

Dasa
Classification: Uncertain significance for neurodevelopmental disorder with nonspecific brain abnormalities and with or without seizures. Last evaluated: 2025-10-06. Review status: criteria provided, single submitter. Criteria: DASA Assertion Criteria. Collection method: clinical testing. Allele origin: germline.
Comment: NM_005618.4(DLL1):c.220G>A (p.Glu74Lys) is a missense variant that results in the substitution of glutamic acid with lysine. This variant is rare in population databases. Computational prediction algorithms are consistent with a deleterious effect. The currently available literature and clinical evidence are not sufficient to establish a definitive association between this variant and the reported condition. Therefore, this variant is classified as a variant of uncertain significance.

NM_005618.4(DLL1):c.220G>A (p.Glu74Lys)

Gene: DLL1 (delta like canonical Notch ligand 1; minus strand). Cytogenetic location: 6q27.
Variant type: single nucleotide variant.
Coding change: c.220G>A on transcript NM_005618.4 (MANE Select); coding-DNA position 220, G replaced by A.
Protein change: p.Glu74Lys; replaces glutamic acid 74 with lysine.
Molecular consequence: missense variant.
Genome position (GRCh38, 1-based): chr6:170,289,643, C>T on the plus strand (G>A on the coding strand, the complement: DLL1 is on the minus strand). VCF-style: chr6-170289643-C-T. GRCh37 (hg19) VCF-style: chr6-170598731-C-T.
Other names: short protein forms E74K.
Identifiers: ClinVar variation 4881231 (VCV004881231.2).